The following is an entry in ClinVar:

NM_017849.4(TMEM127):c.541G>A (p.Ala181Thr)

Gene: TMEM127 (transmembrane protein 127; minus strand). Cytogenetic location: 2q11.2.
Variant type: single nucleotide variant.
Coding change: c.541G>A on transcript NM_017849.4 (MANE Select); coding-DNA position 541, G replaced by A.
Protein change: p.Ala181Thr; replaces alanine 181 with threonine.
Molecular consequence: missense variant.
Genome position (GRCh38, 1-based): chr2:96,253,984, C>T on the plus strand (G>A on the coding strand, the complement: TMEM127 is on the minus strand). VCF-style: chr2-96253984-C-T. GRCh37 (hg19) VCF-style: chr2-96919722-C-T.
Other names: c.541G>A, p.Ala181Thr (NM_001193304.3); c.289G>A, p.Ala97Thr (NM_001407282.1, NM_001407283.1); short protein forms A181T, A97T.
Identifiers: ClinVar variation 3457613 (VCV003457613.1).

ClinVar aggregate classification (germline): Uncertain significance (1 of 4 stars; one submission).

Conditions:
Hereditary cancer-predisposing syndrome. Also called: Tumor predisposition; Neoplastic Syndromes, Hereditary; Hereditary neoplastic syndrome; Hereditary Cancer Syndrome. Identifiers: Orphanet 140162, MedGen C0027672, MeSH D009386, MONDO:0015356.

Submission:

Ambry Genetics
Classification: Uncertain significance for Hereditary cancer-predisposing syndrome. Last evaluated: 2024-10-24. Review status: criteria provided, single submitter. Criteria: Ambry Variant Classification Scheme 2023. Collection method: clinical testing. Allele origin: germline.
Comment: The p.A181T variant (also known as c.541G>A), located in coding exon 3 of the TMEM127 gene, results from a G to A substitution at nucleotide position 541. The alanine at codon 181 is replaced by threonine, an amino acid with similar properties. This amino acid position is conserved. In addition, this alteration is predicted to be deleterious by in silico analysis. Based on the available evidence, the clinical significance of this variant remains unclear.